The following is an entry in ClinVar:

NM_006086.4(TUBB3):c.515C>T (p.Ser172Leu)

Gene: TUBB3 (tubulin beta 3 class III; plus strand). Cytogenetic location: 16q24.3.
Variant type: single nucleotide variant.
Coding change: c.515C>T on transcript NM_006086.4 (MANE Select); coding-DNA position 515, C replaced by T.
Protein change: p.Ser172Leu; replaces serine 172 with leucine.
Molecular consequence: missense variant.
Genome position (GRCh38, 1-based): chr16:89,934,966, C>T. VCF-style: chr16-89934966-C-T. GRCh37 (hg19) VCF-style: chr16-90001374-C-T.
Other names: c.299C>T, p.Ser100Leu (NM_001197181.2); short protein forms S100L, S172L.
Identifiers: ClinVar variation 1309394 (VCV001309394.3), dbSNP rs2151092797, ClinGen allele CA397474737.

ClinVar aggregate classification (germline): Uncertain significance (1 of 4 stars; one submission).

Submission:

GeneDx
Classification: Uncertain significance. Last evaluated: 2022-04-26. Review status: criteria provided, single submitter. Criteria: GeneDx Variant Classification Process June 2021. Collection method: clinical testing. Allele origin: germline. Affected: yes.
Comment: Has not been previously published as pathogenic or benign to our knowledge; Not observed at significant frequency in large population cohorts (gnomAD); Missense variants in this gene are often considered pathogenic (HGMD); In silico analysis, which includes protein predictors and evolutionary conservation, supports a deleterious effect